The following is an entry in ClinVar:

NM_001127208.3(TET2):c.587A>G (p.Asn196Ser)

Genes: TET2 (tet methylcytosine dioxygenase 2; plus strand), TET2-AS1 (TET2 antisense RNA 1; minus strand). Cytogenetic location: 4q24.
Variant type: single nucleotide variant.
Coding change: c.587A>G on transcript NM_001127208.3 (MANE Select); coding-DNA position 587, A replaced by G.
Protein change: p.Asn196Ser; replaces asparagine 196 with serine.
Molecular consequence: missense variant.
Genome position (GRCh38, 1-based): chr4:105,234,529, A>G. VCF-style: chr4-105234529-A-G. GRCh37 (hg19) VCF-style: chr4-106155686-A-G.
Other names: c.587A>G, p.Asn196Ser (NM_017628.4); short protein forms N196S.
Identifiers: ClinVar variation 3654656 (VCV003654656.2).

ClinVar aggregate classification (germline): Uncertain significance (1 of 4 stars; one submission).

gnomAD v4.1: 1 of 1,614,134 alleles (0.000062%); no homozygotes.

Submission:

Labcorp Genetics (formerly Invitae), Labcorp
Classification: Uncertain significance. Last evaluated: 2024-05-26. Review status: criteria provided, single submitter. Criteria: Invitae Variant Classification Sherloc (09022015). Collection method: clinical testing. Allele origin: germline.
Comment: This sequence change replaces asparagine, which is neutral and polar, with serine, which is neutral and polar, at codon 196 of the TET2 protein (p.Asn196Ser). This variant is not present in population databases (gnomAD no frequency). This variant has not been reported in the literature in individuals affected with TET2-related conditions. An algorithm developed to predict the effect of missense changes on protein structure and function (PolyPhen-2) suggests that this variant is likely to be tolerated. In summary, the available evidence is currently insufficient to determine the role of this variant in disease. Therefore, it has been classified as a Variant of Uncertain Significance.